The following is an entry in ClinVar:

NM_001382430.1(AKT1):c.436-3T>C

Gene: AKT1 (AKT serine/threonine kinase 1; minus strand). Cytogenetic location: 14q32.33.
Variant type: single nucleotide variant.
Coding change: c.436-3T>C on transcript NM_001382430.1 (MANE Select); 3 bases into the intron before coding-DNA position 436, T replaced by C.
Molecular consequence: intron variant.
Genome position (GRCh38, 1-based): chr14:104,775,210, A>G on the plus strand (T>C on the coding strand, the complement: AKT1 is on the minus strand). VCF-style: chr14-104775210-A-G. GRCh37 (hg19) VCF-style: chr14-105241547-A-G.
Other names: c.436-3T>C (NM_001014431.2, NM_001014432.2, NM_001382433.1 and 3 more transcripts).
Identifiers: ClinVar variation 573803 (VCV000573803.11), dbSNP rs368553273, ClinGen allele CA7374775.

ClinVar aggregate classification (germline): Uncertain significance. Review status: criteria provided, single submitter (1 of 4 stars). 2 submissions from 2 submitters: Uncertain significance (1). 1 of the submissions does not count toward it. Last evaluated 2024-02-19.

Conditions:
Cowden syndrome 6 (CWS6). Identifiers: Orphanet 201, MedGen C3554519, MONDO:0014048, OMIM 615109.
AKT1-related disorder. Also called: AKT1-related condition.

Allele frequency attached by ClinVar (database versions not stated): gnomAD 0.00002; gnomAD exomes 0.00003 and 0.00007; TOPMed 0.00003; ESP Exome Variant Server 0.00008; ExAC 0.00011.
gnomAD v4.1: 53 of 1,613,520 alleles (0.0033%); highest among the groups gnomAD compares: Non-Finnish European, 0.0041%; no homozygotes.

Submissions (2):

Labcorp Genetics (formerly Invitae), Labcorp
Classification: Uncertain significance for Cowden syndrome 6. Last evaluated: 2024-02-19. Review status: criteria provided, single submitter. Criteria: Invitae Variant Classification Sherloc (09022015). Collection method: clinical testing. Allele origin: germline.
Comment: This sequence change falls in intron 5 of the AKT1 gene. It does not directly change the encoded amino acid sequence of the AKT1 protein. It affects a nucleotide within the consensus splice site. This variant is present in population databases (rs368553273, gnomAD 0.01%). This variant has not been reported in the literature in individuals affected with AKT1-related conditions. ClinVar contains an entry for this variant (Variation ID: 573803). Variants that disrupt the consensus splice site are a relatively common cause of aberrant splicing (PMID: 17576681, 9536098). Algorithms developed to predict the effect of sequence changes on RNA splicing suggest that this variant is not likely to affect RNA splicing. In summary, the available evidence is currently insufficient to determine the role of this variant in disease. Therefore, it has been classified as a Variant of Uncertain Significance.

PreventionGenetics, part of Exact Sciences
Classification: Likely benign for AKT1-related condition. Last evaluated: 2019-03-12. Review status: no assertion criteria provided. Collection method: clinical testing. Allele origin: germline. Not counted in ClinVar's aggregate classification.
Comment: This variant is classified as likely benign based on ACMG/AMP sequence variant interpretation guidelines (Richards et al. 2015 PMID: 25741868, with internal and published modifications).

Literature cited by the submitters: PubMed 17576681 (cited by Labcorp Genetics (formerly Invitae), Labcorp); PubMed 9536098 (cited by Labcorp Genetics (formerly Invitae), Labcorp).